The following is an entry in ClinVar:

NM_014908.4(DOLK):c.898C>T (p.Leu300Phe)

Gene: DOLK (dolichol kinase; minus strand). Cytogenetic location: 9q34.11.
Variant type: single nucleotide variant.
Coding change: c.898C>T on transcript NM_014908.4 (MANE Select); coding-DNA position 898, C replaced by T.
Protein change: p.Leu300Phe; replaces leucine 300 with phenylalanine.
Molecular consequence: missense variant.
Genome position (GRCh38, 1-based): chr9:128,946,406, G>A on the plus strand (C>T on the coding strand, the complement: DOLK is on the minus strand). VCF-style: chr9-128946406-G-A. GRCh37 (hg19) VCF-style: chr9-131708685-G-A.
Other names: short protein forms L300F.
Identifiers: ClinVar variation 392015 (VCV000392015.18), dbSNP rs371529625, ClinGen allele CA5271667.

ClinVar aggregate classification (germline): Uncertain significance. Review status: criteria provided, multiple submitters, no conflicts (2 of 4 stars). 8 submissions from 8 submitters: Uncertain significance (7). 1 of the submissions does not count toward it. Last evaluated 2026-04-06.

Conditions:
DOLK-related disorder. Also called: DOLK-related condition.
Cardiovascular phenotype. Identifiers: MedGen CN230736.
DK1-congenital disorder of glycosylation. Also called: DOLK-congenital disorder of glycosylation; Carbohydrate deficient glycoprotein syndrome type 1m; CDG Im; CONGENITAL DISORDER OF GLYCOSYLATION, TYPE Im; DK1 DEFICIENCY; DOLICHOL KINASE DEFICIENCY. Identifiers: Orphanet 91131, MedGen C1835849, MONDO:0012556, OMIM 610768.

Allele frequency attached by ClinVar (database versions not stated): gnomAD exomes 0.00012 and 0.00015; ExAC 0.00013; gnomAD 0.00013 and 0.00014; ESP Exome Variant Server 0.00015; TOPMed 0.00018.

Submissions (8):

PreventionGenetics, part of Exact Sciences
Classification: Uncertain significance for DOLK-related condition. Last evaluated: 2026-04-06. Review status: criteria provided, single submitter. Criteria: ACMG Guidelines, 2015. Collection method: clinical testing. Allele origin: germline.
Comment: The DOLK c.898C>T variant is predicted to result in the amino acid substitution p.Leu300Phe. To our knowledge, this variant has not been reported in the literature. This variant is reported in 0.020% of alleles in individuals of Latino descent in gnomAD. At this time, the clinical significance of this variant is uncertain due to the absence of conclusive functional and genetic evidence.

Molecular Diagnostic Laboratory for Inherited Cardiovascular Disease, Montreal Heart Institute
Classification: Uncertain significance for Cardiovascular phenotype. Last evaluated: 2025-04-09. Review status: criteria provided, single submitter. Criteria: ACMG Guidelines, 2015. Collection method: clinical testing. Allele origin: germline. Affected: yes.
Comment: PP3

Labcorp Genetics (formerly Invitae), Labcorp
Classification: Uncertain significance for DK1-congenital disorder of glycosylation. Last evaluated: 2025-01-06. Review status: criteria provided, single submitter. Criteria: Invitae Variant Classification Sherloc (09022015). Collection method: clinical testing. Allele origin: germline.
Comment: This sequence change replaces leucine, which is neutral and non-polar, with phenylalanine, which is neutral and non-polar, at codon 300 of the DOLK protein (p.Leu300Phe). This variant is present in population databases (rs371529625, gnomAD 0.02%). This variant has not been reported in the literature in individuals affected with DOLK-related conditions. ClinVar contains an entry for this variant (Variation ID: 392015). Invitae Evidence Modeling of protein sequence and biophysical properties (such as structural, functional, and spatial information, amino acid conservation, physicochemical variation, residue mobility, and thermodynamic stability) indicates that this missense variant is expected to disrupt DOLK protein function with a positive predictive value of 80%. In summary, the available evidence is currently insufficient to determine the role of this variant in disease. Therefore, it has been classified as a Variant of Uncertain Significance.

Blueprint Genetics
Classification: Uncertain significance. Last evaluated: 2024-09-19. Review status: criteria provided, single submitter. Criteria: ACMG Guidelines, 2015. Collection method: clinical testing. Allele origin: germline.

GeneDx
Classification: Uncertain significance. Last evaluated: 2024-05-14. Review status: criteria provided, single submitter. Criteria: GeneDx Variant Classification Process June 2021. Collection method: clinical testing. Allele origin: germline. Affected: yes.
Comment: In silico analysis supports that this missense variant has a deleterious effect on protein structure/function; Has not been previously published as pathogenic or benign to our knowledge

Ambry Genetics
Classification: Uncertain significance for Cardiovascular phenotype. Last evaluated: 2024-01-29. Review status: criteria provided, single submitter. Criteria: Ambry Variant Classification Scheme 2023. Collection method: clinical testing. Allele origin: germline.
Comment: The p.L300F variant (also known as c.898C>T), located in coding exon 1 of the DOLK gene, results from a C to T substitution at nucleotide position 898. The leucine at codon 300 is replaced by phenylalanine, an amino acid with highly similar properties. This amino acid position is highly conserved in available vertebrate species. In addition, this alteration is predicted to be deleterious by in silico analysis. Since supporting evidence is limited at this time, the clinical significance of this alteration remains unclear.

Fulgent Genetics
Classification: Uncertain significance for DK1-congenital disorder of glycosylation. Last evaluated: 2022-02-22. Review status: criteria provided, single submitter. Criteria: ACMG Guidelines, 2015. Collection method: clinical testing. Allele origin: unknown.

Department of Pathology and Laboratory Medicine, Sinai Health System
Classification: Uncertain significance. Review status: no assertion criteria provided. Collection method: clinical testing. Allele origin: unknown. Affected: yes. Study: The Canadian Open Genetics Repository (COGR). Not counted in ClinVar's aggregate classification.
Comment: The DOLK p.Leu300Phe variant was identified in dbSNP (ID: rs371529625) and ClinVar (classified as a VUS by GeneDx and Invitae) but was not identified in Cosmic or LOVD 3.0. The variant was also identified in control databases in 33 of 282592 chromosomes at a frequency of 0.000117 (Genome Aggregation Database Feb 27, 2017). The variant was observed in the following populations: Latino in 7 of 35436 chromosomes (freq: 0.000198), African in 4 of 24914 chromosomes (freq: 0.000161), European (non-Finnish) in 20 of 129000 chromosomes (freq: 0.000155), Other in 1 of 7214 chromosomes (freq: 0.000139) and Ashkenazi Jewish in 1 of 10348 chromosomes (freq: 0.000097); it was not observed in the East Asian, European (Finnish), and South Asian populations. The p.Leu300 residue is conserved in mammals and computational analyses (PolyPhen-2, SIFT, AlignGVGD, BLOSUM, MutationTaster) provide inconsistent predictions regarding the impact to the protein; this information is not very predictive of pathogenicity. The variant occurs outside of the splicing consensus sequence and in silico or computational prediction software programs (SpliceSiteFinder, MaxEntScan, NNSPLICE, GeneSplicer) do not predict a difference in splicing. In summary, based on the above information the clinical significance of this variant cannot be determined with certainty at this time. This variant is classified as a variant of uncertain significance.